The following is an entry in ClinVar:

ClinVar aggregate classification (germline): Benign. Review status: reviewed by expert panel (3 of 4 stars). 8 submissions from 8 submitters: Benign (1). 7 of the submissions do not count toward it. Last evaluated 2022-12-09.

Conditions:
Phenylketonuria (PKU). Also called: Phenylketonuria (PKU); FOLLING DISEASE; OLIGOPHRENIA PHENYLPYRUVICA; Phenylketonurias. Identifiers: Orphanet 716, MedGen C0031485, MONDO:0009861, OMIM 261600. Disease mechanism: loss of function.

Allele frequency attached by ClinVar (database versions not stated): TOPMed 0.35371; gnomAD exomes 0.37209 and 0.41466; ExAC 0.37251; 1000 Genomes Project 30x 0.29341; ESP Exome Variant Server 0.38282; 1000 Genomes Project 0.29433; gnomAD 0.37504 and 0.37849.
gnomAD v4.1: 518,951 of 1,267,994 alleles (41%); highest among the groups gnomAD compares: Non-Finnish European, 44%; 111,129 homozygotes.

Submissions (8):

ClinGen PAH Variant Curation Expert Panel
Classification: Benign for Phenylketonuria. Last evaluated: 2022-12-09. Review status: reviewed by expert panel. Criteria: ClinGen PAH ACMG Specifications v1. Collection method: curation. Allele origin: germline. Inheritance: Autosomal recessive inheritance.
Comment: This c.441+47C>T variant in PAH is widely found in population databases at a frequency of 0.372401 in ExAC. This intronic variant is not predicted to have a splice-altering consequence. In summary, this variant meets criteria to be classified as a benign for PAH. PAH-specific ACMG/AMP criteria applied: BP7, BA1.

Labcorp Genetics (formerly Invitae), Labcorp
Classification: Benign for Phenylketonuria. Last evaluated: 2024-09-30. Review status: criteria provided, single submitter. Criteria: Invitae Variant Classification Sherloc (09022015). Collection method: clinical testing. Allele origin: germline. Not counted in ClinVar's aggregate classification.

Fulgent Genetics
Classification: Likely benign for Phenylketonuria. Last evaluated: 2021-10-27. Review status: criteria provided, single submitter. Criteria: ACMG Guidelines, 2015. Collection method: clinical testing. Allele origin: unknown. Not counted in ClinVar's aggregate classification.

Pars Genome Lab
Classification: Benign for Phenylketonuria. Last evaluated: 2021-07-01. Review status: criteria provided, single submitter. Criteria: ACMG Guidelines, 2015. Collection method: clinical testing. Allele origin: germline. Affected: no. Not counted in ClinVar's aggregate classification.

GeneDx
Classification: Benign. Last evaluated: 2015-03-03. Review status: criteria provided, single submitter. Criteria: GeneDx Variant Classification Process June 2021. Collection method: clinical testing. Allele origin: germline. Affected: yes. Not counted in ClinVar's aggregate classification.

Breakthrough Genomics
Classification: Benign. Review status: criteria provided, single submitter. Criteria: ACMG Guidelines, 2015. Collection method: not provided. Allele origin: germline. Inheritance: Autosomal recessive inheritance. Affected: yes. Not counted in ClinVar's aggregate classification.

PreventionGenetics, part of Exact Sciences
Classification: Benign. Review status: criteria provided, single submitter. Criteria: ACMG Guidelines, 2015. Collection method: clinical testing. Allele origin: germline. Not counted in ClinVar's aggregate classification.

DeBelle Laboratory for Biochemical Genetics, MUHC/MCH RESEARCH INSTITUTE
No classification provided. Review status: no classification provided. Collection method: not provided. Allele origin: not provided. Not counted in ClinVar's aggregate classification.

NM_000277.3(PAH):c.441+47C>T

Gene: PAH (phenylalanine hydroxylase; minus strand). Cytogenetic location: 12q23.2.
Variant type: single nucleotide variant.
Coding change: c.441+47C>T on transcript NM_000277.3 (MANE Select); 47 bases into the intron after coding-DNA position 441, C replaced by T.
Molecular consequence: intron variant.
Genome position (GRCh38, 1-based): chr12:102,877,415, G>A on the plus strand (C>T on the coding strand, the complement: PAH is on the minus strand). VCF-style: chr12-102877415-G-A. GRCh37 (hg19) VCF-style: chr12-103271193-G-A.
Other names: c.441+47C>T (NM_001354304.2).
Identifiers: ClinVar variation 102673 (VCV000102673.14), dbSNP rs1718301, ClinGen allele CA229547.